The following is an entry in ClinVar:

ClinVar aggregate classification (germline): Uncertain significance (1 of 4 stars; one submission).

Submission:

Ambry Genetics
Classification: Uncertain significance. Last evaluated: 2025-05-05. Review status: criteria provided, single submitter. Criteria: Ambry Variant Classification Scheme 2023. Collection method: clinical testing. Allele origin: germline.
Comment: The p.Y550C variant (also known as c.1649A>G), located in coding exon 8 of the RNF43 gene, results from an A to G substitution at nucleotide position 1649. The tyrosine at codon 550 is replaced by cysteine, an amino acid with highly dissimilar properties. This amino acid position is conserved. In addition, this alteration is predicted to be tolerated by in silico analysis. Based on the available evidence, the clinical significance of this variant remains unclear.

NM_017763.6(RNF43):c.1649A>G (p.Tyr550Cys)

Gene: RNF43 (ring finger protein 43; minus strand). Cytogenetic location: 17q22.
Variant type: single nucleotide variant.
Coding change: c.1649A>G on transcript NM_017763.6 (MANE Select); coding-DNA position 1649, A replaced by G.
Protein change: p.Tyr550Cys; replaces tyrosine 550 with cysteine.
Molecular consequence: missense variant.
Genome position (GRCh38, 1-based): chr17:58,358,127, T>C on the plus strand (A>G on the coding strand, the complement: RNF43 is on the minus strand). VCF-style: chr17-58358127-T-C. GRCh37 (hg19) VCF-style: chr17-56435488-T-C.
Other names: c.1649A>G, p.Tyr550Cys (NM_001305544.3); c.1268A>G, p.Tyr423Cys (NM_001305545.2); short protein forms Y423C, Y550C.
Identifiers: ClinVar variation 3946879 (VCV003946879.1).